The following is an entry in ClinVar:

ClinVar aggregate classification (germline): Uncertain significance (1 of 4 stars; one submission).

Conditions:
Charcot-Marie-Tooth disease type 2. Also called: Charcot-Marie-Tooth type 2. Identifiers: Orphanet 64746, MedGen C0270914, MONDO:0018993.

Submission:

Labcorp Genetics (formerly Invitae), Labcorp
Classification: Uncertain significance for Charcot-Marie-Tooth disease type 2. Last evaluated: 2021-10-07. Review status: criteria provided, single submitter. Criteria: Invitae Variant Classification Sherloc (09022015). Collection method: clinical testing. Allele origin: germline.
Comment: This variant, c.1086_1088del, results in the deletion of 1 amino acid(s) of the LMNA protein (p.Leu363del), but otherwise preserves the integrity of the reading frame. In summary, the available evidence is currently insufficient to determine the role of this variant in disease. Therefore, it has been classified as a Variant of Uncertain Significance. Experimental studies and prediction algorithms are not available or were not evaluated, and the functional significance of this variant is currently unknown. This variant has been observed in individual(s) with clinical features of LMNA-related conditions (Invitae). This variant is not present in population databases (ExAC no frequency).

NM_170707.4(LMNA):c.1086_1088del (p.Leu363del)

Gene: LMNA (lamin A/C; plus strand). Cytogenetic location: 1q22.
Variant type: Deletion.
Coding change: c.1086_1088del on transcript NM_170707.4 (MANE Select); coding-DNA positions 1086 to 1088, 3 bases deleted (TCT; older notation c.1086_1088delTCT).
Protein change: p.Leu363del; deletes leucine 363.
Molecular consequence: inframe deletion.
Genome position (GRCh38, 1-based): chr1:156,136,050-156,136,052, TCT deleted; deleting any 3 consecutive bases within chr1:156,136,048-156,136,052 gives the same sequence; the c. name uses the placement nearest the transcript's 3' end. VCF-style (leftmost placement, unchanged base first): chr1-156136047-GCTT-G. GRCh37 (hg19) VCF-style: chr1-156105838-GCTT-G.
Other names: c.750_752del, p.Leu251del (NM_001257374.3); c.843_845del, p.Leu282del (NM_001282624.2); c.1086_1088del, p.Leu363del (NM_001282625.2, NM_001282626.2, NM_005572.4 and 1 more transcripts); short protein forms L251del, L282del, L363del.
Identifiers: ClinVar variation 1379243 (VCV001379243.6), dbSNP rs2102887987, ClinGen allele CA2573130609.